The following is an entry in ClinVar:

ClinVar aggregate classification (germline): Uncertain significance (1 of 4 stars; one submission).

Submission:

CeGaT Center for Human Genetics Tuebingen
Classification: Uncertain significance. Last evaluated: 2025-04-01. Review status: criteria provided, single submitter. Criteria: CeGaT Center For Human Genetics Tuebingen Variant Classification Criteria Version 2. Collection method: clinical testing. Allele origin: germline. Affected: yes. Observed: 1 variant allele.
Comment: SETBP1: PM2

NM_015559.3(SETBP1):c.3157A>G (p.Met1053Val)

Gene: SETBP1 (SET binding protein 1; plus strand). Cytogenetic location: 18q12.3.
Variant type: single nucleotide variant.
Coding change: c.3157A>G on transcript NM_015559.3 (MANE Select); coding-DNA position 3157, A replaced by G.
Protein change: p.Met1053Val; replaces methionine 1053 with valine.
Molecular consequence: missense variant.
Genome position (GRCh38, 1-based): chr18:44,952,497, A>G. VCF-style: chr18-44952497-A-G. GRCh37 (hg19) VCF-style: chr18-42532462-A-G.
Other names: c.3157A>G, p.Met1053Val (NM_001379141.1, NM_001379142.1, NM_001410862.1); short protein forms M1053V.
Identifiers: ClinVar variation 3898653 (VCV003898653.7).